The following is an entry in ClinVar:

NM_133259.4(LRPPRC):c.*1335T>C

Gene: LRPPRC (leucine rich pentatricopeptide repeat containing; minus strand). Cytogenetic location: 2p21.
Variant type: single nucleotide variant.
Coding change: c.*1335T>C on transcript NM_133259.4 (MANE Select); 1335 bases downstream of the stop codon, T replaced by C.
Molecular consequence: 3 prime UTR variant.
Genome position (GRCh38, 1-based): chr2:43,887,265, A>G on the plus strand (T>C on the coding strand, the complement: LRPPRC is on the minus strand). VCF-style: chr2-43887265-A-G. GRCh37 (hg19) VCF-style: chr2-44114404-A-G.
Identifiers: ClinVar variation 336127 (VCV000336127.6), dbSNP rs76970610, ClinGen allele CA10613408.

ClinVar aggregate classification (germline): Benign. Review status: criteria provided, multiple submitters, no conflicts (2 of 4 stars). 2 submissions from 2 submitters: Benign (2). Last evaluated 2018-01-13.

Conditions:
Congenital lactic acidosis, Saguenay-Lac-Saint-Jean type (MC4DN5). Also called: CYTOCHROME c OXIDASE DEFICIENCY, FRENCH CANADIAN TYPE; COX DEFICIENCY, FRENCH CANADIAN TYPE; MITOCHONDRIAL COMPLEX IV DEFICIENCY, NUCLEAR TYPE 5. Identifiers: Orphanet 70472, MedGen C1857355, MONDO:0009069, OMIM 220111.

Allele frequency attached by ClinVar (database versions not stated): gnomAD 0.00348 and 0.00542; TOPMed 0.00543; 1000 Genomes Project 30x 0.02748; 1000 Genomes Project 0.02875.

Submissions (2):

Illumina Laboratory Services, Illumina
Classification: Benign for Congenital lactic acidosis, Saguenay-Lac-Saint-Jean type. Last evaluated: 2018-01-13. Review status: criteria provided, single submitter. Criteria: ICSL Variant Classification Criteria 13 December 2019. Collection method: clinical testing. Allele origin: germline.
Comment: This variant was observed in the ICSL laboratory as part of a predisposition screen in an ostensibly healthy population. It had not been previously curated by ICSL or reported in the Human Gene Mutation Database (HGMD: prior to June 1st, 2018), and was therefore a candidate for classification through an automated scoring system. Utilizing variant allele frequency, disease prevalence and penetrance estimates, and inheritance mode, an automated score was calculated to assess if this variant is too frequent to cause the disease. Based on the score and internal cut-off values, a variant classified as benign is not then subjected to further curation. The score for this variant resulted in a classification of benign for this disease.

Breakthrough Genomics
Classification: Benign. Review status: criteria provided, single submitter. Criteria: ACMG Guidelines, 2015. Collection method: not provided. Allele origin: germline. Inheritance: Autosomal recessive inheritance. Affected: yes.